The following is an entry in ClinVar:

ClinVar aggregate classification (germline): Uncertain significance (1 of 4 stars; one submission).

Submission:

GeneDx
Classification: Uncertain significance. Last evaluated: 2024-05-24. Review status: criteria provided, single submitter. Criteria: GeneDx Variant Classification Process June 2021. Collection method: clinical testing. Allele origin: germline. Affected: yes.
Comment: Not observed at significant frequency in large population cohorts (gnomAD); In silico analysis supports that this missense variant has a deleterious effect on protein structure/function; Has not been previously published as pathogenic or benign to our knowledge

NM_001378454.1(ALMS1):c.7994G>T (p.Ser2665Ile)

Gene: ALMS1 (ALMS1 centrosome and basal body associated protein; plus strand). Cytogenetic location: 2p13.1.
Variant type: single nucleotide variant.
Coding change: c.7994G>T on transcript NM_001378454.1 (MANE Select); coding-DNA position 7994, G replaced by T.
Protein change: p.Ser2665Ile; replaces serine 2665 with isoleucine.
Molecular consequence: missense variant.
Genome position (GRCh38, 1-based): chr2:73,489,953, G>T. VCF-style: chr2-73489953-G-T. GRCh37 (hg19) VCF-style: chr2-73717080-G-T.
Other names: c.7997G>T, p.Ser2666Ile (NM_015120.4); short protein forms S2665I, S2666I.
Identifiers: ClinVar variation 3381675 (VCV003381675.1).